The following is an entry in ClinVar:

ClinVar aggregate classification (germline): Uncertain significance (1 of 4 stars; one submission).

Submission:

Greenwood Genetic Center Diagnostic Laboratories, Greenwood Genetic Center
Classification: Uncertain significance. Last evaluated: 2025-02-20. Review status: criteria provided, single submitter. Criteria: ACMG Guidelines, 2015. Collection method: clinical testing. Allele origin: germline.
Comment: Gene of Uncertain Significance

NM_018364.5(RSBN1):c.809G>C (p.Arg270Pro)

Gene: RSBN1 (round spermatid basic protein 1; minus strand). Cytogenetic location: 1p13.2.
Variant type: single nucleotide variant.
Coding change: c.809G>C on transcript NM_018364.5 (MANE Select); coding-DNA position 809, G replaced by C.
Protein change: p.Arg270Pro; replaces arginine 270 with proline.
Molecular consequence: missense variant. On other transcripts: non-coding transcript variant (1).
Genome position (GRCh38, 1-based): chr1:113,797,931, C>G on the plus strand (G>C on the coding strand, the complement: RSBN1 is on the minus strand). VCF-style: chr1-113797931-C-G. GRCh37 (hg19) VCF-style: chr1-114340553-C-G.
Other names: short protein forms R270P.
Identifiers: ClinVar variation 4851699 (VCV004851699.1).